The following is an entry in ClinVar:

NM_153717.3(EVC):c.2516G>A (p.Arg839Lys)

Gene: EVC (EvC ciliary complex subunit 1; plus strand). Cytogenetic location: 4p16.2.
Variant type: single nucleotide variant.
Coding change: c.2516G>A on transcript NM_153717.3 (MANE Select); coding-DNA position 2516, G replaced by A.
Protein change: p.Arg839Lys; replaces arginine 839 with lysine.
Molecular consequence: missense variant.
Genome position (GRCh38, 1-based): chr4:5,804,796, G>A. VCF-style: chr4-5804796-G-A. GRCh37 (hg19) VCF-style: chr4-5806523-G-A.
Other names: c.2516G>A, p.Arg839Lys (NM_001306090.2); c.2516G>A (NM_153717.2); short protein forms R839K.
Identifiers: ClinVar variation 1360203 (VCV001360203.8), dbSNP rs745451709, ClinGen allele CA2836553.
Genomic context (GRCh38, chr4:5,804,796, plus strand): 5'-GGATGGAAAATTACAAACTGCGGAAAAAGCAAGAACTCAGCAACCCTTCGTCGGGCAGCA[G>A]GACGGCAGGTGGCGCTCATGAGACCTCCCAGGCGGTCCACCAGAGGTGAGGTCCCAACTG-3'
Protein context (NP_714928.1, residues 829-849): QELSNPSSGS[Arg839Lys]TAGGAHETSQ

ClinVar aggregate classification (germline): Uncertain significance. Review status: criteria provided, multiple submitters, no conflicts (2 of 4 stars). 3 submissions from 3 submitters: Uncertain significance (3). Last evaluated 2026-04-20.

Conditions:
Inborn genetic diseases. Identifiers: MedGen C0950123, MeSH D030342.
Curry-Hall syndrome (WAD). Also called: WEYERS ACRODENTAL DYSOSTOSIS. Identifiers: Orphanet 952, MedGen C0457013, MONDO:0008673, OMIM 193530.
Ellis-van Creveld syndrome (EVC). Also called: MESOECTODERMAL DYSPLASIA; Chondroectodermal dysplasia. Identifiers: Orphanet 289, MedGen C0013903, MONDO:0009162, OMIM 225500.

Allele frequency attached by ClinVar (database versions not stated): gnomAD exomes below 0.00001 and 0.00001; ExAC 0.00001; gnomAD 0.00002.
gnomAD v4.1: 14 of 1,614,044 alleles (0.00087%); highest among the groups gnomAD compares: East Asian, 0.013%; no homozygotes.

Submissions (3):

Women's Health and Genetics/Laboratory Corporation of America, LabCorp
Classification: Uncertain significance. Last evaluated: 2026-04-20. Review status: criteria provided, single submitter. Criteria: LabCorp Variant Classification Summary - May 2015. Collection method: clinical testing. Allele origin: germline.
Comment: Variant summary: EVC c.2516G>A (p.Arg839Lys) results in a conservative amino acid change in the encoded protein sequence. Algorithms developed to predict the effect of missense changes on protein structure and function all suggest that this variant is likely to be tolerated. The variant allele was found at a frequency of 4e-06 in 251470 control chromosomes. The available data on variant occurrences in the general population are insufficient to allow any conclusion about variant significance. To our knowledge, no occurrence of c.2516G>A in individuals affected with EVC-related conditions and no experimental evidence demonstrating its impact on protein function have been reported. ClinVar contains an entry for this variant (Variation ID: 1360203). Based on the evidence outlined above, the variant was classified as uncertain significance.

Labcorp Genetics (formerly Invitae), Labcorp
Classification: Uncertain significance for Curry-Hall syndrome; Ellis-van Creveld syndrome. Last evaluated: 2024-02-23. Review status: criteria provided, single submitter. Criteria: Invitae Variant Classification Sherloc (09022015). Collection method: clinical testing. Allele origin: germline.
Comment: This sequence change replaces arginine, which is basic and polar, with lysine, which is basic and polar, at codon 839 of the EVC protein (p.Arg839Lys). This variant is present in population databases (rs745451709, gnomAD 0.006%). This variant has not been reported in the literature in individuals affected with EVC-related conditions. ClinVar contains an entry for this variant (Variation ID: 1360203). Advanced modeling of protein sequence and biophysical properties (such as structural, functional, and spatial information, amino acid conservation, physicochemical variation, residue mobility, and thermodynamic stability) performed at Invitae indicates that this missense variant is not expected to disrupt EVC protein function with a negative predictive value of 80%. In summary, the available evidence is currently insufficient to determine the role of this variant in disease. Therefore, it has been classified as a Variant of Uncertain Significance.

Ambry Genetics
Classification: Uncertain significance for Inborn genetic diseases. Last evaluated: 2023-12-16. Review status: criteria provided, single submitter. Criteria: Ambry Variant Classification Scheme 2023. Collection method: clinical testing. Allele origin: germline.